The following is an entry in ClinVar:

NM_005908.4(MANBA):c.1622G>A (p.Trp541Ter)

Gene: MANBA (mannosidase beta; minus strand). Cytogenetic location: 4q24.
Variant type: single nucleotide variant.
Coding change: c.1622G>A on transcript NM_005908.4 (MANE Select); coding-DNA position 1622, G replaced by A.
Protein change: p.Trp541Ter; replaces tryptophan 541 with a stop codon.
Molecular consequence: nonsense.
Genome position (GRCh38, 1-based): chr4:102,657,764, C>T on the plus strand (G>A on the coding strand, the complement: MANBA is on the minus strand). VCF-style: chr4-102657764-C-T. GRCh37 (hg19) VCF-style: chr4-103578921-C-T.
Other names: c.1622G>A (NM_005908.3); short protein forms W541*.
Identifiers: ClinVar variation 594436 (VCV000594436.11), dbSNP rs771865668, ClinGen allele CA3026850.
Genomic context (GRCh38, chr4:102,657,764, plus strand): 5'-GGCCAGGACTGATATCCATATTCAGATGCAAATCGAGCTTTTGGGAAAACTTTCCAGTTC[C>T]AGCAATCACTGATATAGTCATAAAAATGTACATCACCAAAATAATTGCTATTAGGGTTTT-3'

ClinVar aggregate classification (germline): Pathogenic/Likely pathogenic. Review status: criteria provided, multiple submitters, no conflicts (2 of 4 stars). 5 submissions from 5 submitters: Pathogenic (2); Likely pathogenic (2). 1 of the submissions does not count toward it. Last evaluated 2023-11-10.

Conditions:
Beta-D-mannosidosis (MANSB). Also called: MANNOSIDOSIS, BETA A, LYSOSOMAL; BETA-MANNOSIDASE DEFICIENCY; LYSOSOMAL BETA-MANNOSIDASE DEFICIENCY; Beta-Mannosidosis. Identifiers: Orphanet 118, MedGen C4048196, MONDO:0009562, OMIM 248510.
MANBA-related disorder. Also called: MANBA-related condition.

Allele frequency attached by ClinVar (database versions not stated): TOPMed below 0.00001; gnomAD exomes 0.00001; ExAC 0.00002.

Submissions (5):

Labcorp Genetics (formerly Invitae), Labcorp
Classification: Pathogenic for Beta-D-mannosidosis. Last evaluated: 2023-11-10. Review status: criteria provided, single submitter. Criteria: Invitae Variant Classification Sherloc (09022015). Collection method: clinical testing. Allele origin: germline.
Comment: This sequence change creates a premature translational stop signal (p.Trp541*) in the MANBA gene. It is expected to result in an absent or disrupted protein product. Loss-of-function variants in MANBA are known to be pathogenic (PMID: 9384606, 12468273). This variant is present in population databases (rs771865668, gnomAD 0.002%). This variant has not been reported in the literature in individuals affected with MANBA-related conditions. ClinVar contains an entry for this variant (Variation ID: 594436). For these reasons, this variant has been classified as Pathogenic.

PreventionGenetics, part of Exact Sciences
Classification: Likely pathogenic for MANBA-related condition. Last evaluated: 2023-03-24. Review status: criteria provided, single submitter. Criteria: ACMG Guidelines, 2015. Collection method: clinical testing. Allele origin: germline.
Comment: The MANBA c.1622G>A variant is predicted to result in premature protein termination (p.Trp541*). To our knowledge, this variant has not been reported in the literature. This variant is reported in 0.0018% of alleles in individuals of European (Non-Finnish) descent in gnomAD. Nonsense variants in MANBA are expected to be pathogenic, therefore this variant is interpreted as likely pathogenic.

Blueprint Genetics
Classification: Likely pathogenic for MANBA-related disorders. Last evaluated: 2019-12-16. Review status: criteria provided, single submitter. Criteria: ACMG Guidelines, 2015. Collection method: clinical testing. Allele origin: germline. Affected: yes. Observed: 1 variant allele.

Eurofins Ntd Llc (ga)
Classification: Pathogenic. Last evaluated: 2017-10-06. Review status: criteria provided, single submitter. Criteria: EGL Classification Definitions 2015. Collection method: clinical testing. Allele origin: germline. Observed: 1 variant allele, 1 heterozygote.

Department of Pathology and Laboratory Medicine, Sinai Health System
Classification: Likely pathogenic for Beta-D-mannosidosis. Review status: no assertion criteria provided. Collection method: clinical testing. Allele origin: unknown. Affected: yes. Study: The Canadian Open Genetics Repository (COGR). Not counted in ClinVar's aggregate classification.
Comment: MANBA,Â¬â€ c.1622G>A, p.Trp541*, Heterozygous, Likely PathogenicVariant Interpretation:Â¬â€ The p.Trp541* variant was not identified in the literature, nor was it identified in the LOVD 3.0 database. The variant was identified in ClinVar (Pathogenic, 1 submitter, classified as pathogenic by EGL Genetic Diagnostics in 2018) and dbSNP (rs771865668, Pathogenic) databases. The variant was identified in control databases in 2 of 251320 chromosomes at a frequency of 0.000007958 (Genome Aggregation Database March 6, 2019, v2.1.1). The variant was observed in the following populations: European (non-Finnish) in 2 of 113668 chromosomes (freq: 0.000018), but was not observed in the African, Latino, Ashkenazi Jewish, East Asian, European (Finnish), Other, or South Asian populations. The c.1622G>A variant leads to a premature stop codon at position 541 which is predicted to lead to a truncated or absent protein and loss of function. Loss of function variants of the MANBA gene are an established mechanism of disease in beta-mannosidosis and is the type of variant expected to cause the disorder. In summary, the clinical significance of this variant cannot be determined with certainty at this time although we would lean towards a more pathogenic role for this variant. This variant is classified as likely pathogenic.Disease Information:Â¬â€ Homozygous and compound heterozygous pathogenic variants in the MANBA gene cause beta-mannosidosis (OMIM: 248510). Beta-mannosidosis is an autosomal recessive lysosomal sotorage disease of glycoprotein caused by a deficiency of lysosomal beta-mannosidase activity (Verbatim, OMIM: 248510). Phenotypic variability is possible. The most severely affected patients show developmental delay and mental retardation, but there are differing levels of severity and some patients may have comparatively mild disease (Verbatim, OMIM: 248510). Clinical features include intellectual disability, speech impairment, hypotonia, seizures (rare), and progressive demyelinating peripheral neuropathy. Laboratory anomalies include decreased beta-mannosidase activity in plasma, fibroblasts and leukocytes, and increased urinary disaccharides.Â¬â€ Familial Risk:Â¬â€ Classic beta-mannosidosis is inherited in an autosomal recessive manner. At conception, the siblings of an affected individual have a 25% chance of being affected, a 50% chance of being asymptomatic carriers, and a 25% chance of being unaffected and not carriers. Carrier testing for at-risk relatives at increased risk is possible if the pathogenic variants in the family are known.

Literature cited by the submitters: PubMed 9384606 (cited by Labcorp Genetics (formerly Invitae), Labcorp); PubMed 12468273 (cited by Labcorp Genetics (formerly Invitae), Labcorp).